The following is an entry in ClinVar:

ClinVar aggregate classification (germline): Pathogenic/Likely pathogenic. Review status: criteria provided, multiple submitters, no conflicts (2 of 4 stars). 4 submissions from 4 submitters: Pathogenic (3); Likely pathogenic (1). Last evaluated 2025-12-20.

Conditions:
POR-related disorder. Also called: POR-related condition.
Congenital adrenal hyperplasia. Identifiers: Orphanet 418, MedGen C0001627, MONDO:0018479, HP:0008258.
Congenital adrenal hyperplasia due to cytochrome P450 oxidoreductase deficiency. Also called: DISORDERED STEROIDOGENESIS DUE TO POR DEFICIENCY. Identifiers: Orphanet 95699, MedGen C1860042, MONDO:0013310, OMIM 613571.

Allele frequency attached by ClinVar (database versions not stated): TOPMed below 0.00001; gnomAD exomes 0.00002.

Submissions (4):

Labcorp Genetics (formerly Invitae), Labcorp
Classification: Pathogenic for Congenital adrenal hyperplasia due to cytochrome P450 oxidoreductase deficiency. Last evaluated: 2025-12-20. Review status: criteria provided, single submitter. Criteria: Invitae Variant Classification Sherloc (09022015). Collection method: clinical testing. Allele origin: germline.
Comment: This sequence change creates a premature translational stop signal (p.Leu564Aspfs*12) in the POR gene. It is expected to result in an absent or disrupted protein product. Loss-of-function variants in POR are known to be pathogenic (PMID: 14758361, 20732302, 21741353). This variant is present in population databases (rs781914230, gnomAD 0.005%). This variant has not been reported in the literature in individuals affected with POR-related conditions. ClinVar contains an entry for this variant (Variation ID: 1379019). For these reasons, this variant has been classified as Pathogenic.

PreventionGenetics, part of Exact Sciences
Classification: Pathogenic for POR-related condition. Last evaluated: 2025-10-27. Review status: criteria provided, single submitter. Criteria: ACMG Guidelines, 2015. Collection method: clinical testing. Allele origin: germline.
Comment: The POR c.1685_1688dupAGAC variant is predicted to result in a frameshift and premature protein termination (p.Leu564Aspfs*12). To our knowledge, this variant has not been reported in the literature. This variant is reported in 0.0048% of alleles in individuals of European (Finnish) descent in gnomAD. Frameshift variants in POR are expected to be pathogenic. This variant is interpreted as pathogenic.

Women's Health and Genetics/Laboratory Corporation of America, LabCorp
Classification: Pathogenic for Congenital adrenal hyperplasia. Last evaluated: 2024-10-14. Review status: criteria provided, single submitter. Criteria: LabCorp Variant Classification Summary - May 2015. Collection method: clinical testing. Allele origin: germline.
Comment: Variant summary: POR c.1676_1679dupAGAC (p.Leu561AspfsX12) results in a premature termination codon, predicted to cause a truncation of the encoded protein or absence of the protein due to nonsense mediated decay, which are commonly known mechanisms for disease. The variant was absent in 207584 control chromosomes (gnomAD). To our knowledge, no occurrence of c.1676_1679dupAGAC in individuals affected with Congenital Adrenal Hyperplasia and no experimental evidence demonstrating its impact on protein function have been reported. ClinVar contains an entry for this variant (Variation ID: 1379019). Based on the evidence outlined above, the variant was classified as pathogenic.

Blueprint Genetics
Classification: Likely pathogenic for POR-related disorders. Last evaluated: 2018-09-17. Review status: criteria provided, single submitter. Criteria: ACMG Guidelines, 2015. Collection method: clinical testing. Allele origin: germline. Affected: yes. Observed: 3 variant alleles.

Literature cited by the submitters: PubMed 14758361 (cited by Labcorp Genetics (formerly Invitae), Labcorp); PubMed 20732302 (cited by Labcorp Genetics (formerly Invitae), Labcorp); PubMed 21741353 (cited by Labcorp Genetics (formerly Invitae), Labcorp).

NM_001395413.1(POR):c.1676_1679dup (p.Leu561fs)

Gene: POR (cytochrome p450 oxidoreductase; plus strand). Cytogenetic location: 7q11.23.
Variant type: Duplication.
Coding change: c.1676_1679dup on transcript NM_001395413.1 (MANE Select); coding-DNA positions 1676 to 1679, 4 bases duplicated (AGAC; older notation c.1676_1679dupAGAC).
Protein change: p.Leu561fs; shifts the reading frame from leucine 561.
Molecular consequence: frameshift variant.
Genome position (GRCh38, 1-based): chr7:75,985,938-75,985,941, AGAC duplicated. VCF-style (leftmost placement, unchanged base first): chr7-75985937-G-GAGAC. GRCh37 (hg19) VCF-style: chr7-75615255-G-GAGAC.
Other names: c.1685_1688dupAGAC (NM_000941.2); c.1676_1679dup, p.Leu561fs (NM_001367562.3, NM_001382657.2, NM_001382658.3 and 1 more transcripts); c.1730_1733dup, p.Leu579fs (NM_001382655.3); c.1526_1529dup, p.Leu511fs (NM_001382662.3); c.1676_1679dupAGAC (NM_001395413.1); short protein forms L511fs, L561fs, L579fs.
Identifiers: ClinVar variation 1379019 (VCV001379019.10), dbSNP rs781914230, ClinGen allele CA4304247.